The following is an entry in ClinVar:

NM_001005273.3(CHD3):c.842G>A (p.Arg281His)

Genes: CHD3 (chromodomain helicase DNA binding protein 3; plus strand), LOC126862484 (CDK7 strongly-dependent group 2 enhancer GRCh37_chr17:7797066-7798265; plus strand). Cytogenetic location: 17p13.1.
Variant type: single nucleotide variant.
Coding change: c.842G>A on transcript NM_001005273.3 (MANE Select); coding-DNA position 842, G replaced by A.
Protein change: p.Arg281His; replaces arginine 281 with histidine.
Molecular consequence: missense variant.
Genome position (GRCh38, 1-based): chr17:7,893,853, G>A. VCF-style: chr17-7893853-G-A. GRCh37 (hg19) VCF-style: chr17-7797171-G-A.
Other names: c.1019G>A, p.Arg340His (NM_001005271.3); c.842G>A, p.Arg281His (NM_005852.4); short protein forms R281H, R340H.
Identifiers: ClinVar variation 3032672 (VCV003032672.10), dbSNP rs139173826, ClinGen allele CA8362492.

ClinVar aggregate classification (germline): Likely benign. Review status: criteria provided, multiple submitters, no conflicts (2 of 4 stars). 3 submissions from 3 submitters: Likely benign (2). 1 of the submissions does not count toward it. Last evaluated 2025-09-01.

Conditions:
CHD3-related disorder. Also called: CHD3-related condition.
Inborn genetic diseases. Identifiers: MedGen C0950123, MeSH D030342.

Allele frequency attached by ClinVar (database versions not stated): ExAC 0.00008; ESP Exome Variant Server 0.00008; TOPMed 0.00008; gnomAD 0.00009.
gnomAD v4.1: 100 of 1,613,670 alleles (0.0062%); highest among the groups gnomAD compares: Non-Finnish European, 0.0079%; no homozygotes.

Submissions (3):

CeGaT Center for Human Genetics Tuebingen
Classification: Likely benign. Last evaluated: 2025-09-01. Review status: criteria provided, single submitter. Criteria: CeGaT Center For Human Genetics Tuebingen Variant Classification Criteria Version 2. Collection method: clinical testing. Allele origin: germline. Affected: yes. Observed: 1 variant allele.
Comment: CHD3: BS1

Ambry Genetics
Classification: Likely benign for Inborn genetic diseases. Last evaluated: 2023-11-22. Review status: criteria provided, single submitter. Criteria: Ambry Variant Classification Scheme 2023. Collection method: clinical testing. Allele origin: germline.

PreventionGenetics, part of Exact Sciences
Classification: Likely benign for CHD3-related condition. Last evaluated: 2024-01-29. Review status: no assertion criteria provided. Collection method: clinical testing. Allele origin: germline. Not counted in ClinVar's aggregate classification.
Comment: This variant is classified as likely benign based on ACMG/AMP sequence variant interpretation guidelines (Richards et al. 2015 PMID: 25741868, with internal and published modifications).